The following is an entry in ClinVar:

ClinVar aggregate classification (germline): Pathogenic. Review status: criteria provided, multiple submitters, no conflicts (2 of 4 stars). 5 submissions from 5 submitters: Pathogenic (5). Last evaluated 2025-10-23.

Conditions:
Hereditary cancer-predisposing syndrome. Also called: Hereditary neoplastic syndrome; Tumor predisposition; Neoplastic Syndromes, Hereditary; Hereditary Cancer Syndrome. Identifiers: Orphanet 140162, MedGen C0027672, MeSH D009386, MONDO:0015356.
Familial adenomatous polyposis 1 (FAP1). Also called: FAMILIAL ADENOMATOUS POLYPOSIS 1, ATTENUATED; POLYPOSIS, ADENOMATOUS INTESTINAL. Identifiers: MedGen C2713442, MONDO:0021056, OMIM 175100. Disease mechanism: loss of function.
Classic or attenuated familial adenomatous polyposis. Identifiers: MedGen CN372698, MONDO:0021057.

Submissions (5):

Labcorp Genetics (formerly Invitae), Labcorp
Classification: Pathogenic for Familial adenomatous polyposis 1. Last evaluated: 2025-10-23. Review status: criteria provided, single submitter. Criteria: Invitae Variant Classification Sherloc (09022015). Collection method: clinical testing. Allele origin: germline.
Comment: This sequence change creates a premature translational stop signal (p.Tyr622*) in the APC gene. RNA analysis indicates that this premature translational stop signal induces altered splicing and may result in an absent or altered protein product. This variant is not present in population databases (gnomAD no frequency). This premature translational stop signal has been observed in individual(s) with familial adenomatous polyposis (PMID: 17963004, 20223039). ClinVar contains an entry for this variant (Variation ID: 419995). Studies have shown that this premature translational stop signal results in skipping of exon 15 and inclusion of part of intron 15, and produces a non-functional protein and/or introduces a premature termination codon (internal data). For these reasons, this variant has been classified as Pathogenic.

GeneDx
Classification: Pathogenic. Last evaluated: 2025-02-10. Review status: criteria provided, single submitter. Criteria: GeneDx Variant Classification Process June 2021. Collection method: clinical testing. Allele origin: germline. Affected: yes.
Comment: Nonsense variant predicted to result in protein truncation or nonsense mediated decay in a gene for which loss of function is a known mechanism of disease; Not observed at significant frequency in large population cohorts (gnomAD); Observed in individuals with a personal history consistent with pathogenic variants in this gene referred for genetic testing at GeneDx and in the published literature (PMID: 33359728, 20223039, 17963004); This variant is associated with the following publications: (PMID: 28576136, 17963004, 20223039, 25525159, 11247896, 23054214, 33359728)

Department of Pathology and Laboratory Medicine, Sinai Health System
Classification: Pathogenic for classic or attenuated familial adenomatous polyposis. Last evaluated: 2024-07-25. Review status: criteria provided, single submitter. Criteria: ACMG Guidelines, 2015. Collection method: clinical testing. Allele origin: germline.

Myriad Genetics, Inc.
Classification: Pathogenic for Familial adenomatous polyposis 1. Last evaluated: 2023-05-03. Review status: criteria provided, single submitter. Criteria: Myriad Autosomal Dominant, Autosomal Recessive and X-Linked Classification Criteria (2023). Collection method: clinical testing. Allele origin: unknown.
Comment: This variant is considered pathogenic. This variant creates a termination codon and is predicted to result in premature protein truncation.

Ambry Genetics
Classification: Pathogenic for Hereditary cancer-predisposing syndrome. Last evaluated: 2021-12-07. Review status: criteria provided, single submitter. Criteria: Ambry Variant Classification Scheme 2023. Collection method: clinical testing. Allele origin: germline.
Comment: The p.Y622* pathogenic mutation (also known as c.1866C>G), located in coding exon 14 of the APC gene, results from a C to G substitution at nucleotide position 1866. This changes the amino acid from a tyrosine to a stop codon within coding exon 14. This alteration has been observed in multiple individuals with a personal and/or family history that is consistent with APC-related disease (Ambry internal data; Alderlieste YA et al. Fam Cancer, 2013 Mar;12:51-6; De la Fuente MK et al. Dis Colon Rectum, 2007 Dec;50:2142-8; Friedl W et al. Hered Cancer Clin Pract, 2005 Sep;3:95-114). This variant is considered to be rare based on population cohorts in the Genome Aggregation Database (gnomAD). This alteration is expected to result in loss of function by premature protein truncation or nonsense-mediated mRNA decay. As such, this alteration is interpreted as a disease-causing mutation.

Literature cited by the submitters: PubMed 17963004 (cited by 3 submitters); PubMed 20223039 (cited by 3 submitters); PubMed 23054214 (cited by Ambry Genetics).

NM_000038.6(APC):c.1866C>G (p.Tyr622Ter)

Gene: APC (APC regulator of Wnt signaling pathway; plus strand). Cytogenetic location: 5q22.2.
Variant type: single nucleotide variant.
Coding change: c.1866C>G on transcript NM_000038.6 (MANE Select); coding-DNA position 1866, C replaced by G.
Protein change: p.Tyr622Ter; replaces tyrosine 622 with a stop codon.
Molecular consequence: nonsense.
Genome position (GRCh38, 1-based): chr5:112,835,073, C>G. VCF-style: chr5-112835073-C-G. GRCh37 (hg19) VCF-style: chr5-112170770-C-G.
Other names: c.1866C>G, p.Tyr622Ter (NM_001127510.3, NM_001354895.2); c.1812C>G, p.Tyr604Ter (NM_001127511.3); c.1920C>G, p.Tyr640Ter (NM_001354896.2); c.1896C>G, p.Tyr632Ter (NM_001354897.2); c.1791C>G, p.Tyr597Ter (NM_001354898.2); c.1782C>G, p.Tyr594Ter (NM_001354899.2); c.1743C>G, p.Tyr581Ter (NM_001354900.2); c.1689C>G, p.Tyr563Ter (NM_001354901.2); and 5 more; short protein forms Y604*, Y622*, Y339*, Y462*, Y496*, Y563*, Y640*, Y597*.
Identifiers: ClinVar variation 419995 (VCV000419995.9), dbSNP rs876658355, ClinGen allele CA16025402.